The following is an entry in ClinVar:

NM_001048174.2(MUTYH):c.802C>G (p.Leu268Val)

Gene: MUTYH (mutY DNA glycosylase; minus strand). Cytogenetic location: 1p34.1.
Variant type: single nucleotide variant.
Coding change: c.802C>G on transcript NM_001048174.2 (MANE Select); coding-DNA position 802, C replaced by G.
Protein change: p.Leu268Val; replaces leucine 268 with valine.
Molecular consequence: missense variant. On other transcripts: non-coding transcript variant (7).
Genome position (GRCh38, 1-based): chr1:45,332,213, G>C on the plus strand (C>G on the coding strand, the complement: MUTYH is on the minus strand). VCF-style: chr1-45332213-G-C. GRCh37 (hg19) VCF-style: chr1-45797885-G-C.
Other names: c.835C>G, p.Leu279Val (NM_001407077.1, NM_001293191.2, NM_001407069.1); c.805C>G, p.Leu269Val (NM_001407078.1, NM_001407071.1, NM_001407086.1 and 1 more transcripts); c.763C>G, p.Leu255Val (NM_001407079.1); c.760C>G, p.Leu254Val (NM_001407080.1); c.802C>G, p.Leu268Val (NM_001407081.1, NM_001407072.1, NM_001407073.1 and 6 more transcripts); c.718C>G, p.Leu240Val (NM_001407075.1); c.886C>G, p.Leu296Val (NM_001128425.2); c.847C>G, p.Leu283Val (NM_001293190.2); and 5 more; short protein forms L268V, L269V, L275V, L282V, L293V, L240V, L283V, L153V.
Identifiers: ClinVar variation 4112849 (VCV004112849.1).
Genomic context (GRCh38, chr1:45,332,213, plus strand): 5'-CCAGTAGGCTTACTCTCTGGCGTGCCCGGCACAGGCTCTCCACAGGGCACTGGCTGCACA[G>C]TGGGCGCTGTGGGGTACACACTGTGGCCCCTAGCTCCATGGCTGCTTGGTTGAAATCTCC-3'
Protein context (NP_001041639.1, residues 258-278): GATVCTPQRP[Leu268Val]CSQCPVESLC

ClinVar aggregate classification (germline): Uncertain significance (1 of 4 stars; one submission).

Conditions:
Hereditary cancer-predisposing syndrome. Also called: Tumor predisposition; Neoplastic Syndromes, Hereditary; Hereditary neoplastic syndrome; Hereditary Cancer Syndrome. Identifiers: Orphanet 140162, MedGen C0027672, MeSH D009386, MONDO:0015356.

Submission:

Ambry Genetics
Classification: Uncertain significance for Hereditary cancer-predisposing syndrome. Last evaluated: 2025-08-27. Review status: criteria provided, single submitter. Criteria: Ambry Variant Classification Scheme 2023. Collection method: clinical testing. Allele origin: germline.
Comment: The p.L296V variant (also known as c.886C>G), located in coding exon 10 of the MUTYH gene, results from a C to G substitution at nucleotide position 886. The leucine at codon 296 is replaced by valine, an amino acid with highly similar properties. This amino acid position is conserved. In addition, the in silico prediction for this alteration is inconclusive. Based on the available evidence, the clinical significance of this variant remains unclear.